The following is an entry in ClinVar:

ClinVar aggregate classification (germline): Conflicting classifications of pathogenicity. Review status: criteria provided, conflicting classifications (1 of 4 stars). 8 submissions from 8 submitters: Uncertain significance (1); Likely benign (4). 3 of the submissions do not count toward it. Last evaluated 2026-08-01.

Conditions:
DNMT3B-related disorder. Also called: DNMT3B-related condition.
Centromeric instability of chromosomes 1,9 and 16 and immunodeficiency (ICF1). Also called: IMMUNE DEFICIENCY, VARIABLE, WITH CENTROMERIC INSTABILITY OF CHROMOSOMES 1, 9, AND 16; IMMUNODEFICIENCY SYNDROME, VARIABLE; Immunodeficiency-centromeric instability-facial anomalies; CENTROMERIC INSTABILITY, IMMUNODEFICIENCY SYNDROME. Identifiers: Orphanet 2268, MedGen C0398788, MONDO:0000133.
Immunodeficiency-centromeric instability-facial anomalies syndrome 1 (ICF1). Identifiers: Orphanet 2268, MedGen C4551557, MONDO:0009454, OMIM 242860.

Allele frequency attached by ClinVar (database versions not stated): TOPMed 0.00037; gnomAD exomes 0.00040 and 0.00069; gnomAD 0.00041 and 0.00045; ExAC 0.00053; ESP Exome Variant Server 0.00085.
gnomAD v4.1: 1,066 of 1,613,904 alleles (0.066%); highest among the groups gnomAD compares: Non-Finnish European, 0.081%; no homozygotes.

Submissions (8):

CeGaT Center for Human Genetics Tuebingen
Classification: Likely benign. Last evaluated: 2026-08-01. Review status: criteria provided, single submitter. Criteria: CeGaT Center For Human Genetics Tuebingen Variant Classification Criteria Version 2. Collection method: clinical testing. Allele origin: germline. Affected: yes. Observed: 4 variant alleles.
Comment: DNMT3B: BP4, BP7

Labcorp Genetics (formerly Invitae), Labcorp
Classification: Likely benign for Centromeric instability of chromosomes 1,9 and 16 and immunodeficiency. Last evaluated: 2026-01-18. Review status: criteria provided, single submitter. Criteria: Invitae Variant Classification Sherloc (09022015). Collection method: clinical testing. Allele origin: germline.

Blueprint Genetics
Classification: Likely benign. Last evaluated: 2024-11-20. Review status: criteria provided, single submitter. Criteria: ACMG Guidelines, 2015. Collection method: clinical testing. Allele origin: germline.

ARUP Laboratories, Molecular Genetics and Genomics, ARUP Laboratories
Classification: Likely benign. Last evaluated: 2024-01-18. Review status: criteria provided, single submitter. Criteria: ARUP Molecular Germline Variant Investigation Process 2024. Collection method: clinical testing. Allele origin: germline.

Illumina Laboratory Services, Illumina
Classification: Uncertain significance for Immunodeficiency-centromeric instability-facial anomalies syndrome 1. Last evaluated: 2018-01-13. Review status: criteria provided, single submitter. Criteria: ICSL Variant Classification Criteria 13 December 2019. Collection method: clinical testing. Allele origin: germline.

PreventionGenetics, part of Exact Sciences
Classification: Likely benign for DNMT3B-related condition. Last evaluated: 2021-03-09. Review status: no assertion criteria provided. Collection method: clinical testing. Allele origin: germline. Not counted in ClinVar's aggregate classification.
Comment: This variant is classified as likely benign based on ACMG/AMP sequence variant interpretation guidelines (Richards et al. 2015 PMID: 25741868, with internal and published modifications).

Clinical Genetics DNA and cytogenetics Diagnostics Lab, Erasmus MC, Erasmus Medical Center
Classification: Likely benign. Review status: no assertion criteria provided. Collection method: clinical testing. Allele origin: germline. Affected: yes. Study: VKGL Data-share Consensus. Not counted in ClinVar's aggregate classification.

Genome Diagnostics Laboratory, University Medical Center Utrecht
Classification: Likely benign. Review status: no assertion criteria provided. Collection method: clinical testing. Allele origin: germline. Affected: yes. Study: VKGL Data-share Consensus. Not counted in ClinVar's aggregate classification.

NM_006892.4(DNMT3B):c.2142G>A (p.Leu714=)

Gene: DNMT3B (DNA methyltransferase 3 beta; plus strand). Cytogenetic location: 20q11.21.
Variant type: single nucleotide variant.
Coding change: c.2142G>A on transcript NM_006892.4 (MANE Select); coding-DNA position 2142, G replaced by A.
Protein change: p.Leu714=; no amino-acid change (leucine 714 retained).
Molecular consequence: synonymous variant.
Genome position (GRCh38, 1-based): chr20:32,801,423, G>A. VCF-style: chr20-32801423-G-A. GRCh37 (hg19) VCF-style: chr20-31389229-G-A.
Other names: c.1956G>A, p.Leu652= (NM_001207055.2); c.1854G>A, p.Leu618= (NM_001207056.2); c.2082G>A, p.Leu694= (NM_175848.2, NM_175849.2); c.2118G>A, p.Leu706= (NM_175850.3).
Identifiers: ClinVar variation 530713 (VCV000530713.52), dbSNP rs143847495, ClinGen allele CA9810813.